The following is an entry in ClinVar:

ClinVar aggregate classification (germline): Likely pathogenic. Review status: criteria provided, multiple submitters, no conflicts (2 of 4 stars). 3 submissions from 3 submitters: Likely pathogenic (2). 1 of the submissions does not count toward it. Last evaluated 2025-09-27.

Conditions:
Adenine phosphoribosyltransferase deficiency (APRTD). Also called: APRT DEFICIENCY; NEPHROLITHIASIS, DHA; Urolithiasis, dha; 2,8-dihydroxyadenine urolithiasis. Identifiers: Orphanet 976, MedGen C0268120, MONDO:0013869, OMIM 614723.

Allele frequency attached by ClinVar (database versions not stated): gnomAD exomes below 0.00001.

Submissions (3):

Labcorp Genetics (formerly Invitae), Labcorp
Classification: Likely pathogenic. Last evaluated: 2025-09-27. Review status: criteria provided, single submitter. Criteria: Invitae Variant Classification Sherloc (09022015). Collection method: clinical testing. Allele origin: germline.
Comment: This sequence change replaces glycine, which is neutral and non-polar, with aspartic acid, which is acidic and polar, at codon 63 of the APRT protein (p.Gly63Asp). This variant is not present in population databases (gnomAD no frequency). This missense change has been observed in individual(s) with adenine phosphoribosyltransferase deficiency (PMID: 20150536, 24459232, 31440706, 34044400). ClinVar contains an entry for this variant (Variation ID: 988044). An algorithm developed to predict the effect of missense changes on protein structure and function (PolyPhen-2) suggests that this variant is likely to be disruptive. In summary, the currently available evidence indicates that the variant is pathogenic, but additional data are needed to prove that conclusively. Therefore, this variant has been classified as Likely Pathogenic.

Fulgent Genetics
Classification: Likely pathogenic for Adenine phosphoribosyltransferase deficiency. Last evaluated: 2024-05-27. Review status: criteria provided, single submitter. Criteria: ACMG Guidelines, 2015. Collection method: clinical testing. Allele origin: germline.

APRT Deficiency Research Program of the Rare Kidney Stone Consortium, Landspitali, National University Hospital of Iceland
Classification: Pathogenic for Adenine phosphoribosyltransferase deficiency. Last evaluated: 2020-09-01. Review status: no assertion criteria provided. Collection method: literature only. Allele origin: germline. Affected: yes. Not counted in ClinVar's aggregate classification.

Literature cited by the submitters: PubMed 20150536 (cited by Labcorp Genetics (formerly Invitae), Labcorp and APRT Deficiency Research Program of the Rare Kidney Stone Consortium, Landspitali, National University Hospital of Iceland); PubMed 24459232 (cited by Labcorp Genetics (formerly Invitae), Labcorp and APRT Deficiency Research Program of the Rare Kidney Stone Consortium, Landspitali, National University Hospital of Iceland); PubMed 31440706 (cited by Labcorp Genetics (formerly Invitae), Labcorp and APRT Deficiency Research Program of the Rare Kidney Stone Consortium, Landspitali, National University Hospital of Iceland); PubMed 34044400 (cited by Labcorp Genetics (formerly Invitae), Labcorp).

NM_000485.3(APRT):c.188G>A (p.Gly63Asp)

Gene: APRT (adenine phosphoribosyltransferase; minus strand). Cytogenetic location: 16q24.3.
Variant type: single nucleotide variant.
Coding change: c.188G>A on transcript NM_000485.3 (MANE Select); coding-DNA position 188, G replaced by A.
Protein change: p.Gly63Asp; replaces glycine 63 with aspartic acid.
Molecular consequence: missense variant.
Genome position (GRCh38, 1-based): chr16:88,810,556, C>T on the plus strand (G>A on the coding strand, the complement: APRT is on the minus strand). VCF-style: chr16-88810556-C-T. GRCh37 (hg19) VCF-style: chr16-88876964-C-T.
Other names: c.188G>A, p.Gly63Asp (NM_001030018.2); short protein forms G63D.
Identifiers: ClinVar variation 988044 (VCV000988044.4), dbSNP rs1909091672, ClinGen allele CA397088940.